The following is an entry in ClinVar:

NM_000059.4(BRCA2):c.1407T>A (p.Asp469Glu)

Gene: BRCA2 (BRCA2 DNA repair associated; plus strand). Cytogenetic location: 13q13.1.
Variant type: single nucleotide variant.
Coding change: c.1407T>A on transcript NM_000059.4 (MANE Select); coding-DNA position 1407, T replaced by A.
Protein change: p.Asp469Glu; replaces aspartic acid 469 with glutamic acid.
Molecular consequence: missense variant.
Genome position (GRCh38, 1-based): chr13:32,332,885, T>A. VCF-style: chr13-32332885-T-A. GRCh37 (hg19) VCF-style: chr13-32907022-T-A.
Other names: short protein forms D469E.
Identifiers: ClinVar variation 819133 (VCV000819133.8), dbSNP rs1593892789, ClinGen allele CA387764175.
Genomic context (GRCh38, chr13:32,332,885, plus strand): 5'-TTCTAGCCTACCAAAATCAGAGAAGCCATTAAATGAGGAAACAGTGGTAAATAAGAGAGA[T>A]GAAGAGCAGCATCTTGAATCTCATACAGACTGCATTCTTGCAGTAAAGCAGGCAATATCT-3'
Protein context (NP_000050.3, residues 459-479): LNEETVVNKR[Asp469Glu]EEQHLESHTD

ClinVar aggregate classification (germline): Conflicting classifications of pathogenicity. Review status: criteria provided, conflicting classifications (1 of 4 stars). 3 submissions from 3 submitters: Uncertain significance (2); Likely benign (1). Last evaluated 2025-09-03.

Conditions:
Hereditary cancer-predisposing syndrome. Also called: Tumor predisposition; Hereditary neoplastic syndrome; Neoplastic Syndromes, Hereditary; Hereditary Cancer Syndrome. Identifiers: Orphanet 140162, MedGen C0027672, MeSH D009386, MONDO:0015356.

Submissions (3):

Women's Health and Genetics/Laboratory Corporation of America, LabCorp
Classification: Uncertain significance. Last evaluated: 2025-09-03. Review status: criteria provided, single submitter. Criteria: LabCorp Variant Classification Summary - May 2015. Collection method: clinical testing. Allele origin: germline.

Ambry Genetics
Classification: Uncertain significance for Hereditary cancer-predisposing syndrome. Last evaluated: 2025-05-31. Review status: criteria provided, single submitter. Criteria: Ambry Variant Classification Scheme 2023. Collection method: clinical testing. Allele origin: germline.
Comment: The p.D469E variant (also known as c.1407T>A), located in coding exon 9 of the BRCA2 gene, results from a T to A substitution at nucleotide position 1407. The aspartic acid at codon 469 is replaced by glutamic acid, an amino acid with highly similar properties. This amino acid position is not well conserved in available vertebrate species. In addition, this alteration is predicted to be tolerated by in silico analysis. Since supporting evidence is limited at this time, the clinical significance of this alteration remains unclear.

University of Washington Department of Laboratory Medicine, University of Washington
Classification: Likely benign for Hereditary cancer-predisposing syndrome. Last evaluated: 2023-03-23. Review status: criteria provided, single submitter. Criteria: Dines et al. (Genet Med. 2020). Collection method: curation. Allele origin: germline.
Comment: Missense variant in a coldspot region where missense variants are very unlikely to be pathogenic (PMID:31911673).

BRCA2 exon 10 coldspot. Reclassification based on statistical prior probability.